The following is an entry in ClinVar:

ClinVar aggregate classification (germline): Likely benign (1 of 4 stars; one submission).

Submission:

GeneDx
Classification: Likely benign. Last evaluated: 2020-06-29. Review status: criteria provided, single submitter. Criteria: GeneDx Variant Classification Process June 2021. Collection method: clinical testing. Allele origin: germline. Affected: yes.
Comment: See Variant Classification Assertion Criteria.

NM_000553.6(WRN):c.2274-207del

Gene: WRN (WRN RecQ like helicase; plus strand). Cytogenetic location: 8p12.
Variant type: Deletion.
Coding change: c.2274-207del on transcript NM_000553.6 (MANE Select); 207 bases into the intron before coding-DNA position 2274, one base deleted (G; older notation c.2274-207delG).
Molecular consequence: intron variant.
Genome position (GRCh38, 1-based): chr8:31,116,147, G deleted; the last of 4 consecutive G bases (chr8:31,116,144-31,116,147); deleting any one gives the same sequence. VCF-style (leftmost placement, unchanged base first): chr8-31116143-TG-T. GRCh37 (hg19) VCF-style: chr8-30973659-TG-T.
Identifiers: ClinVar variation 1706897 (VCV001706897.2), dbSNP rs533401194, ClinGen allele CA174879995.
Genomic context (GRCh38, chr8:31,116,143, plus strand): 5'-CAAATAAATTTGTTTCTGGTTTTAGCTTTAATTTGAACTGAAACAGTCAAAACTGAGTTT[TG>T]GGGACTTCACACAATTCATTTGGATATTTGATTCTCCATAATGTTTTAAATTTTCATGCA-3'